The following is an entry in ClinVar:

NM_007118.4(TRIO):c.8527A>G (p.Ile2843Val)

Gene: TRIO (trio Rho guanine nucleotide exchange factor; plus strand). Cytogenetic location: 5p15.2.
Variant type: single nucleotide variant.
Coding change: c.8527A>G on transcript NM_007118.4 (MANE Select); coding-DNA position 8527, A replaced by G.
Protein change: p.Ile2843Val; replaces isoleucine 2843 with valine.
Molecular consequence: missense variant. On other transcripts: non-coding transcript variant (1).
Genome position (GRCh38, 1-based): chr5:14,504,508, A>G. VCF-style: chr5-14504508-A-G. GRCh37 (hg19) VCF-style: chr5-14504617-A-G.
Other names: short protein forms I2843V.
Identifiers: ClinVar variation 3367388 (VCV003367388.1).

ClinVar aggregate classification (germline): Uncertain significance (1 of 4 stars; one submission).

Submission:

GeneDx
Classification: Uncertain significance. Last evaluated: 2023-12-27. Review status: criteria provided, single submitter. Criteria: GeneDx Variant Classification Process June 2021. Collection method: clinical testing. Allele origin: germline. Affected: yes.
Comment: Has not been previously published as pathogenic or benign to our knowledge; Not observed at significant frequency in large population cohorts (gnomAD); In silico analysis supports that this missense variant does not alter protein structure/function